The following is an entry in ClinVar:

ClinVar aggregate classification (germline): Likely pathogenic. Review status: criteria provided, single submitter (1 of 4 stars). 2 submissions from 2 submitters: Likely pathogenic (1). 1 of the submissions does not count toward it. Last evaluated 2018-05-16.

Conditions:
Andersen Tawil syndrome (LQT7). Also called: Potassium-sensitive periodic paralysis, ventricular ectopy, and dysmorphic features; LONG QT SYNDROME 7; PERIODIC PARALYSIS, POTASSIUM-SENSITIVE CARDIODYSRHYTHMIC TYPE; ANDERSEN CARDIODYSRHYTHMIC PERIODIC PARALYSIS; Andersen Syndrome. Identifiers: Orphanet 37553, MedGen C1563715, MONDO:0008222, OMIM 170390.

Submissions (2):

GeneDx
Classification: Likely pathogenic. Last evaluated: 2018-05-16. Review status: criteria provided, single submitter. Criteria: GeneDx Variant Classification (06012015). Collection method: clinical testing. Allele origin: germline. Affected: yes.
Comment: A variant that is likely pathogenic was identified in the KCNJ2 gene. The L222S variant has been reported in a patient with ATS who had a history of syncope and prolonged QT interval (Rezazadeh et al., 2016). This variant is not observed in large population cohorts (Lek et al., 2016). The L222S variant is a non-conservative amino acid substitution, which is likely to impact secondary protein structure as these residues differ in polarity, charge, size and/or other properties. In-silico analyses, including protein predictors and evolutionary conservation, support a deleterious effect. Finally, one functional study demonstrated that this variant leads to a reduction of current densities (Rezazadeh et al., 2016). In summary, L222S in the KCNJ2 gene is interpreted as a likely pathogenic variant.

GeneReviews
No classification provided. Condition: Andersen Tawil syndrome. Review status: no classification provided. Collection method: literature only. Allele origin: germline. Not counted in ClinVar's aggregate classification.

Literature cited by the submitters: PubMed 27789106 (cited by GeneReviews).

NM_000891.3(KCNJ2):c.665T>C (p.Leu222Ser)

Gene: KCNJ2 (potassium inwardly rectifying channel subfamily J member 2; plus strand). Cytogenetic location: 17q24.3.
Variant type: single nucleotide variant.
Coding change: c.665T>C on transcript NM_000891.3 (MANE Select); coding-DNA position 665, T replaced by C.
Protein change: p.Leu222Ser; replaces leucine 222 with serine.
Molecular consequence: missense variant.
Genome position (GRCh38, 1-based): chr17:70,175,704, T>C. VCF-style: chr17-70175704-T-C. GRCh37 (hg19) VCF-style: chr17-68171845-T-C.
Other names: short protein forms L222S.
Identifiers: ClinVar variation 546134 (VCV000546134.3), dbSNP rs1555603968, ClinGen allele CA400861536.